The following is an entry in ClinVar:

ClinVar aggregate classification (germline): Uncertain significance (1 of 4 stars; one submission).

Allele frequency attached by ClinVar (database versions not stated): TOPMed below 0.00001.

Submission:

Labcorp Genetics (formerly Invitae), Labcorp
Classification: Uncertain significance. Last evaluated: 2023-07-13. Review status: criteria provided, single submitter. Criteria: Invitae Variant Classification Sherloc (09022015). Collection method: clinical testing. Allele origin: germline.
Comment: In summary, the available evidence is currently insufficient to determine the role of this variant in disease. Therefore, it has been classified as a Variant of Uncertain Significance. An algorithm developed to predict the effect of missense changes on protein structure and function (PolyPhen-2) suggests that this variant is likely to be tolerated. This variant has not been reported in the literature in individuals affected with PLD3-related conditions. This variant is not present in population databases (gnomAD no frequency). This sequence change replaces leucine, which is neutral and non-polar, with valine, which is neutral and non-polar, at codon 10 of the PLD3 protein (p.Leu10Val).

NM_012268.4(PLD3):c.28C>G (p.Leu10Val)

Gene: PLD3 (phospholipase D family member 3; plus strand). Cytogenetic location: 19q13.2.
Variant type: single nucleotide variant.
Coding change: c.28C>G on transcript NM_012268.4 (MANE Select); coding-DNA position 28, C replaced by G.
Protein change: p.Leu10Val; replaces leucine 10 with valine.
Molecular consequence: missense variant.
Genome position (GRCh38, 1-based): chr19:40,366,610, C>G. VCF-style: chr19-40366610-C-G. GRCh37 (hg19) VCF-style: chr19-40872517-C-G.
Other names: c.28C>G, p.Leu10Val (NM_001031696.4, NM_001291311.2); short protein forms L10V.
Identifiers: ClinVar variation 3012234 (VCV003012234.3), dbSNP rs2078928651, ClinGen allele CA405867069.